The following is an entry in ClinVar:

NM_022051.3(EGLN1):c.676G>A (p.Val226Met)

Gene: EGLN1 (egl-9 family hypoxia inducible factor 1; minus strand). Cytogenetic location: 1q42.2.
Variant type: single nucleotide variant.
Coding change: c.676G>A on transcript NM_022051.3 (MANE Select); coding-DNA position 676, G replaced by A.
Protein change: p.Val226Met; replaces valine 226 with methionine.
Molecular consequence: missense variant.
Genome position (GRCh38, 1-based): chr1:231,421,213, C>T on the plus strand (G>A on the coding strand, the complement: EGLN1 is on the minus strand). VCF-style: chr1-231421213-C-T. GRCh37 (hg19) VCF-style: chr1-231556959-C-T.
Other names: c.676G>A, p.Val226Met (NM_001377260.1, NM_001377261.1); short protein forms V226M.
Identifiers: ClinVar variation 4247407 (VCV004247407.2).

ClinVar aggregate classification (germline): Uncertain significance (1 of 4 stars; one submission).

gnomAD v4.1: 1 of 1,614,012 alleles (0.000062%); highest among the groups gnomAD compares: Non-Finnish European, 0.000085%; no homozygotes.

Submission:

Ambry Genetics
Classification: Uncertain significance. Last evaluated: 2026-08-12. Review status: criteria provided, single submitter. Criteria: Ambry Variant Classification Scheme 2023. Collection method: clinical testing. Allele origin: germline.
Comment: The p.V226M variant (also known as c.676G>A), located in coding exon 1 of the EGLN1 gene, results from a G to A substitution at nucleotide position 676. The valine at codon 226 is replaced by methionine, an amino acid with highly similar properties. This amino acid position is conserved. In addition, this alteration is predicted to be tolerated by in silico analysis. Based on the available evidence, the clinical significance of this variant remains unclear.